The following is an entry in ClinVar:

NM_024665.7(TBL1XR1):c.1362_1365dup (p.Tyr456fs)

Gene: TBL1XR1 (TBL1X/Y related 1; minus strand). Cytogenetic location: 3q26.32.
Variant type: Duplication.
Coding change: c.1362_1365dup on transcript NM_024665.7 (MANE Select); coding-DNA positions 1362 to 1365, 4 bases duplicated (CAGG; older notation c.1362_1365dupCAGG).
Protein change: p.Tyr456fs; shifts the reading frame from tyrosine 456.
Molecular consequence: frameshift variant.
Genome position (GRCh38, 1-based): chr3:177,033,022-177,033,025, CCTG duplicated on the plus strand (CAGG on the coding strand, the reverse complement: TBL1XR1 is on the minus strand); duplicating any 4 consecutive bases within chr3:177,033,022-177,033,027 gives the same sequence; the c. name uses the placement nearest the transcript's 3' end. VCF-style (leftmost placement, unchanged base first): chr3-177033021-A-ACCTG. GRCh37 (hg19) VCF-style: chr3-176750809-A-ACCTG.
Other names: c.1362_1365dup, p.Tyr456fs (NM_001321193.3, NM_001321194.3, NM_001374327.1 and 2 more transcripts); c.1101_1104dup, p.Tyr369fs (NM_001321195.3, NM_001374330.1); short protein forms Y369fs, Y456fs.
Identifiers: ClinVar variation 817137 (VCV000817137.1), dbSNP rs1576978878, ClinGen allele CA915941618.

ClinVar aggregate classification (germline): Pathogenic (1 of 4 stars; one submission).

Submission:

GeneDx
Classification: Pathogenic. Last evaluated: 2018-06-26. Review status: criteria provided, single submitter. Criteria: GeneDx Variant Classification (06012015). Collection method: clinical testing. Allele origin: germline. Affected: yes.
Comment: The c.1362_1365dupCAGG variant in the TBL1XR1 gene has not been reported previously as a pathogenic variant nor as a benign variant, to our knowledge. The c.1362_1365dupCAGG variant causes a frameshift starting with codon Tyrosine 456, changes this amino acid to a Glutamine residue, and creates a premature Stop codon at position 9 of the new reading frame, denoted p.Tyr456GlnfsX9. This variant is predicted to cause loss of normal protein function either through protein truncation or nonsense-mediated mRNA decay. The c.1362_1365dupCAGG variant is not observed in large population cohorts (Lek et al., 2016). We interpret c.1362_1365dupCAGG as a pathogenic variant.